The following is an entry in ClinVar:

NM_001928.4(CFD):c.460G>A (p.Gly154Ser)

Gene: CFD (complement factor D; plus strand). Cytogenetic location: 19p13.3.
Variant type: single nucleotide variant.
Coding change: c.460G>A on transcript NM_001928.4 (MANE Select); coding-DNA position 460, G replaced by A.
Protein change: p.Gly154Ser; replaces glycine 154 with serine.
Molecular consequence: missense variant.
Genome position (GRCh38, 1-based): chr19:861,801, G>A. VCF-style: chr19-861801-G-A. GRCh37 (hg19) VCF-style: chr19-861801-G-A.
Other names: c.481G>A, p.Gly161Ser (NM_001317335.2); c.460G>A (NM_001928.2); short protein forms G161S, G154S.
Identifiers: ClinVar variation 1411594 (VCV001411594.5), dbSNP rs1163434882, ClinGen allele CA402922695.

ClinVar aggregate classification (germline): Uncertain significance. Review status: criteria provided, multiple submitters, no conflicts (2 of 4 stars). 2 submissions from 2 submitters: Uncertain significance (2). Last evaluated 2021-08-07.

Allele frequency attached by ClinVar (database versions not stated): gnomAD exomes below 0.00001 and 0.00002.
gnomAD v4.1: 34 of 1,604,498 alleles (0.0021%); highest among the groups gnomAD compares: Non-Finnish European, 0.0026%; no homozygotes.

Submissions (2):

Labcorp Genetics (formerly Invitae), Labcorp
Classification: Uncertain significance. Last evaluated: 2021-08-07. Review status: criteria provided, single submitter. Criteria: Invitae Variant Classification Sherloc (09022015). Collection method: clinical testing. Allele origin: germline.
Comment: In summary, the available evidence is currently insufficient to determine the role of this variant in disease. Therefore, it has been classified as a Variant of Uncertain Significance. Algorithms developed to predict the effect of missense changes on protein structure and function are either unavailable or do not agree on the potential impact of this missense change (SIFT: "Not Available"; PolyPhen-2: "Possibly Damaging"; Align-GVGD: "Not Available"). This variant has not been reported in the literature in individuals affected with CFD-related conditions. This variant is not present in population databases (ExAC no frequency). This sequence change replaces glycine with serine at codon 154 of the CFD protein (p.Gly154Ser). The glycine residue is highly conserved and there is a small physicochemical difference between glycine and serine.

Ambry Genetics
Classification: Uncertain significance. Last evaluated: 2021-07-14. Review status: criteria provided, single submitter. Criteria: Ambry Variant Classification Scheme 2023. Collection method: clinical testing. Allele origin: germline.